The following is an entry in ClinVar:

ClinVar aggregate classification (germline): Uncertain significance (1 of 4 stars; one submission).

Conditions:
Dystonia 5 (DRD). Also called: GTP Cyclohydrolase 1-Deficient Dopa-Responsive Dystonia; Dystonia, DOPA-responsive, with or without hyperphenylalaninemia; DYT-GCH1; DYSTONIA, PROGRESSIVE, WITH DIURNAL VARIATION; DYSTONIA-PARKINSONISM WITH DIURNAL FLUCTUATION. Identifiers: Orphanet 98808, MedGen C1851920, MONDO:0007495, OMIM 128230.
GTP cyclohydrolase I deficiency. Identifiers: MedGen C0268467, MONDO:0100184.

Submission:

Labcorp Genetics (formerly Invitae), Labcorp
Classification: Uncertain significance for GTP cyclohydrolase I deficiency; Dystonia 5. Last evaluated: 2025-11-27. Review status: criteria provided, single submitter. Criteria: Invitae Variant Classification Sherloc (09022015). Collection method: clinical testing. Allele origin: germline.
Comment: This sequence change replaces isoleucine, which is neutral and non-polar, with methionine, which is neutral and non-polar, at codon 121 of the GCH1 protein (p.Ile121Met). This variant is not present in population databases (gnomAD no frequency). This variant has not been reported in the literature in individuals affected with GCH1-related conditions. Invitae Evidence Modeling of protein sequence and biophysical properties (such as structural, functional, and spatial information, amino acid conservation, physicochemical variation, residue mobility, and thermodynamic stability) indicates that this missense variant is not expected to disrupt GCH1 protein function with a negative predictive value of 80%. In summary, the available evidence is currently insufficient to determine the role of this variant in disease. Therefore, it has been classified as a Variant of Uncertain Significance.

NM_000161.3(GCH1):c.363A>G (p.Ile121Met)

Gene: GCH1 (GTP cyclohydrolase 1; minus strand). Cytogenetic location: 14q22.2.
Variant type: single nucleotide variant.
Coding change: c.363A>G on transcript NM_000161.3 (MANE Select); coding-DNA position 363, A replaced by G.
Protein change: p.Ile121Met; replaces isoleucine 121 with methionine.
Molecular consequence: missense variant.
Genome position (GRCh38, 1-based): chr14:54,865,417, T>C on the plus strand (A>G on the coding strand, the complement: GCH1 is on the minus strand). VCF-style: chr14-54865417-T-C. GRCh37 (hg19) VCF-style: chr14-55332135-T-C.
Other names: c.363A>G, p.Ile121Met (NM_001024024.2, NM_001024070.2, NM_001024071.2 and 1 more transcripts); c.69A>G, p.Ile23Met (NM_001424105.1); short protein forms I23M, I121M.
Identifiers: ClinVar variation 4793306 (VCV004793306.1).